The following is an entry in ClinVar:

NM_001999.4(FBN2):c.3480C>T (p.Asp1160=)

Gene: FBN2 (fibrillin 2; minus strand). Cytogenetic location: 5q23.3.
Variant type: single nucleotide variant.
Coding change: c.3480C>T on transcript NM_001999.4 (MANE Select); coding-DNA position 3480, C replaced by T.
Protein change: p.Asp1160=; no amino-acid change (aspartic acid 1160 retained).
Molecular consequence: synonymous variant.
Genome position (GRCh38, 1-based): chr5:128,338,115, G>A on the plus strand (C>T on the coding strand, the complement: FBN2 is on the minus strand). VCF-style: chr5-128338115-G-A. GRCh37 (hg19) VCF-style: chr5-127673807-G-A.
Identifiers: ClinVar variation 350779 (VCV000350779.40), dbSNP rs142323824, ClinGen allele CA3395212.
Genomic context (GRCh38, chr5:128,338,115, plus strand): 5'-GCTGCCCTCAGTGTTCACACAGGTGCCACCCCTACAAAGGAGAGGGTTACGTTCACATTC[G>A]TCAATGTCTGAAAGGTAAAAACGTGAGATCCATTAAAGAACTCTGAGGGAAAAATATTCA-3'
Protein context (NP_001990.2, residues 1150-1170): FMMMKNCMDI[Asp1160=]ECERNPLLCR

ClinVar aggregate classification (germline): Benign/Likely benign. Review status: criteria provided, multiple submitters, no conflicts (2 of 4 stars). 7 submissions from 7 submitters: Benign (1); Likely benign (6). Last evaluated 2026-01-21.

Conditions:
Familial thoracic aortic aneurysm and aortic dissection (TAAD). Also called: Thoracic aortic aneurysms and dissections. Identifiers: Orphanet 91387, MedGen C4707243, MONDO:0019625.
Congenital contractural arachnodactyly (CCA). Also called: Beals-Hecht syndrome; BEALS SYNDROME; Arthrogryposis, distal, type 9. Identifiers: Orphanet 115, MedGen C0220668, MONDO:0007363, OMIM 121050.

Allele frequency attached by ClinVar (database versions not stated): TOPMed 0.00029; 1000 Genomes Project 30x 0.00031; 1000 Genomes Project 0.00040; ESP Exome Variant Server 0.00046; ExAC 0.00051.
gnomAD v4.1: 190 of 1,613,886 alleles (0.012%); highest among the groups gnomAD compares: African/African-American, 0.069%; no homozygotes.

Submissions (7):

Labcorp Genetics (formerly Invitae), Labcorp
Classification: Likely benign for Congenital contractural arachnodactyly. Last evaluated: 2026-01-21. Review status: criteria provided, single submitter. Criteria: Invitae Variant Classification Sherloc (09022015). Collection method: clinical testing. Allele origin: germline.

CeGaT Center for Human Genetics Tuebingen
Classification: Likely benign. Last evaluated: 2024-07-01. Review status: criteria provided, single submitter. Criteria: CeGaT Center For Human Genetics Tuebingen Variant Classification Criteria Version 2. Collection method: clinical testing. Allele origin: germline. Affected: yes. Observed: 1 variant allele.
Comment: FBN2: BP4, BP7, BS2

Blueprint Genetics
Classification: Likely benign. Last evaluated: 2023-06-07. Review status: criteria provided, single submitter. Criteria: ACMG Guidelines, 2015. Collection method: clinical testing. Allele origin: germline.

Illumina Laboratory Services, Illumina
Classification: Likely benign for Congenital contractural arachnodactyly. Last evaluated: 2018-01-12. Review status: criteria provided, single submitter. Criteria: ICSL Variant Classification Criteria 13 December 2019. Collection method: clinical testing. Allele origin: germline.
Comment: This variant was observed in the ICSL laboratory as part of a predisposition screen in an ostensibly healthy population. It had not been previously curated by ICSL or reported in the Human Gene Mutation Database (HGMD: prior to June 1st, 2018), and was therefore a candidate for classification through an automated scoring system. Utilizing variant allele frequency, disease prevalence and penetrance estimates, and inheritance mode, an automated score was calculated to assess if this variant is too frequent to cause the disease. Based on the score and internal cut-off values, a variant classified as likely benign is not then subjected to further curation. The score for this variant resulted in a classification of likely benign for this disease.

Ambry Genetics
Classification: Likely benign for Familial thoracic aortic aneurysm and aortic dissection. Last evaluated: 2017-05-02. Review status: criteria provided, single submitter. Criteria: Ambry Variant Classification Scheme 2023. Collection method: clinical testing. Allele origin: germline.

GeneDx
Classification: Benign. Last evaluated: 2016-03-02. Review status: criteria provided, single submitter. Criteria: GeneDx Variant Classification (06012015). Collection method: clinical testing. Allele origin: germline. Affected: yes.
Comment: This variant is considered likely benign or benign based on one or more of the following criteria: it is a conservative change, it occurs at a poorly conserved position in the protein, it is predicted to be benign by multiple in silico algorithms, and/or has population frequency not consistent with disease.

Breakthrough Genomics
Classification: Likely benign. Review status: criteria provided, single submitter. Criteria: ACMG Guidelines, 2015. Collection method: not provided. Allele origin: germline. Inheritance: Autosomal dominant inheritance. Affected: yes.